The following is an entry in ClinVar:

NM_000362.5(TIMP3):c.-117G>A

Genes: SYN3 (synapsin III; minus strand), TIMP3 (TIMP metallopeptidase inhibitor 3; plus strand). Cytogenetic location: 22q12.3.
Variant type: single nucleotide variant.
Coding change: c.-117G>A on transcript NM_000362.5 (MANE Select); 117 bases upstream of the start codon, G replaced by A.
Molecular consequence: 5 prime UTR variant. On other transcripts: intron variant (7).
Genome position (GRCh38, 1-based): chr22:32,801,885, G>A. VCF-style: chr22-32801885-G-A. GRCh37 (hg19) VCF-style: chr22-33197871-G-A.
Other names: c.708+63030C>T (NM_001369909.1, NM_001135774.2, NM_001369910.1); c.711+63030C>T (NM_001369907.1, NM_003490.4, NM_001369908.1 and 1 more transcripts).
Identifiers: ClinVar variation 341340 (VCV000341340.6), dbSNP rs191293675, ClinGen allele CA10654058.
Genomic context (GRCh38, chr22:32,801,885, plus strand): 5'-CCTCGCTGCGCCCCATCCCGTCCCGCCGGGCACTCGGAGGGCAGCGCGCCGGAGGCCAAG[G>A]TTGCCCCGCACGGCCCGGCGGGCGAGCGAGCTCGGGCTGCAGCAGCCCCGCCGGCGGCGC-3'

ClinVar aggregate classification (germline): Benign. Review status: criteria provided, multiple submitters, no conflicts (2 of 4 stars). 2 submissions from 2 submitters: Benign (2). Last evaluated 2018-01-13.

Conditions:
Sorsby fundus dystrophy (SFD). Also called: MACULAR DYSTROPHY, HEMORRHAGIC; Sorsby fundus dystrophy, Lavia type; FUNDUS DYSTROPHY, PSEUDOINFLAMMATORY, OF SORSBY. Identifiers: Orphanet 59181, MedGen C1850938, MONDO:0007640, OMIM 136900.

Allele frequency attached by ClinVar (database versions not stated): gnomAD 0.00722 and 0.00771; 1000 Genomes Project 0.00739; 1000 Genomes Project 30x 0.00828; TOPMed 0.00858; gnomAD exomes 0.00096.
gnomAD v4.1: 2,311 of 1,326,686 alleles (0.17%); highest among the groups gnomAD compares: African/African-American, 2.3%; 21 homozygotes.

Submissions (2):

Illumina Laboratory Services, Illumina
Classification: Benign for Sorsby fundus dystrophy. Last evaluated: 2018-01-13. Review status: criteria provided, single submitter. Criteria: ICSL Variant Classification Criteria 13 December 2019. Collection method: clinical testing. Allele origin: germline.
Comment: This variant was observed in the ICSL laboratory as part of a predisposition screen in an ostensibly healthy population. It had not been previously curated by ICSL or reported in the Human Gene Mutation Database (HGMD: prior to June 1st, 2018), and was therefore a candidate for classification through an automated scoring system. Utilizing variant allele frequency, disease prevalence and penetrance estimates, and inheritance mode, an automated score was calculated to assess if this variant is too frequent to cause the disease. Based on the score and internal cut-off values, a variant classified as benign is not then subjected to further curation. The score for this variant resulted in a classification of benign for this disease.

Breakthrough Genomics
Classification: Benign. Review status: criteria provided, single submitter. Criteria: ACMG Guidelines, 2015. Collection method: not provided. Allele origin: germline. Inheritance: Autosomal dominant inheritance. Affected: yes.